The following is an entry in ClinVar:

NM_012309.5(SHANK2):c.3230C>G (p.Pro1077Arg)

Gene: SHANK2 (SH3 and multiple ankyrin repeat domains 2; minus strand). Cytogenetic location: 11q13.3.
Variant type: single nucleotide variant.
Coding change: c.3230C>G on transcript NM_012309.5 (MANE Select); coding-DNA position 3230, C replaced by G.
Protein change: p.Pro1077Arg; replaces proline 1077 with arginine.
Molecular consequence: missense variant.
Genome position (GRCh38, 1-based): chr11:70,487,063, G>C on the plus strand (C>G on the coding strand, the complement: SHANK2 is on the minus strand). VCF-style: chr11-70487063-G-C. GRCh37 (hg19) VCF-style: chr11-70333168-G-C.
Other names: c.2093C>G, p.Pro698Arg (NM_001379226.1); c.3350C>G, p.Pro1117Arg (NM_001441024.1); c.3179C>G, p.Pro1060Arg (NM_001441025.1, NM_001441026.1, NM_001441027.1 and 8 more transcripts); c.3152C>G, p.Pro1051Arg (NM_001441035.1, NM_001441036.1, NM_001441037.1); c.3107C>G, p.Pro1036Arg (NM_001441038.1); c.2063C>G, p.Pro688Arg (NM_001441040.1); c.2015C>G, p.Pro672Arg (NM_001441041.1); c.1457C>G, p.Pro486Arg (NM_001441042.1); and 6 more; short protein forms P1036R, P1051R, P1060R, P1077R, P1117R, P445R, P463R, P472R.
Identifiers: ClinVar variation 4975242 (VCV004975242.1).

ClinVar aggregate classification (germline): Uncertain significance (1 of 4 stars; one submission).

Submission:

GeneDx
Classification: Uncertain significance. Last evaluated: 2026-03-13. Review status: criteria provided, single submitter. Criteria: GeneDx Variant Classification Process June 2021. Collection method: clinical testing. Allele origin: germline.
Comment: Not observed at significant frequency in large population cohorts (gnomAD); In silico analysis supports that this missense variant has a deleterious effect on protein structure/function; Has not been previously published as pathogenic or benign to our knowledge